The following is an entry in ClinVar:

ClinVar aggregate classification (germline): Conflicting classifications of pathogenicity. Review status: criteria provided, conflicting classifications (1 of 4 stars). 7 submissions from 7 submitters: Uncertain significance (2); Likely benign (3). 2 of the submissions do not count toward it. Last evaluated 2025-09-02.

Conditions:
Moyamoya angiopathy with developmental delay.
SETD5-related disorder. Also called: SETD5-related disorders; SETD5-related condition.
Intellectual disability-facial dysmorphism syndrome due to SETD5 haploinsufficiency (MRD23). Also called: Intellectual developmental disorder, autosomal dominant 23. Identifiers: Orphanet 404440, MedGen C3810406, MONDO:0014336, OMIM 615761.

Allele frequency attached by ClinVar (database versions not stated): gnomAD 0.00009 and 0.00010; TOPMed 0.00010; gnomAD exomes 0.00016 and 0.00008; ExAC 0.00006; ESP Exome Variant Server 0.00008; 1000 Genomes Project 30x 0.00016; 1000 Genomes Project 0.00020.
gnomAD v4.1: 248 of 1,609,638 alleles (0.015%); highest among the groups gnomAD compares: Non-Finnish European, 0.019%; no homozygotes.

Submissions (7):

Labcorp Genetics (formerly Invitae), Labcorp
Classification: Likely benign. Last evaluated: 2025-09-02. Review status: criteria provided, single submitter. Criteria: Invitae Variant Classification Sherloc (09022015). Collection method: clinical testing. Allele origin: germline.

Laboratory of Genetics, Children's Clinical University Hospital Latvia
Classification: Likely benign. Last evaluated: 2025-02-16. Review status: criteria provided, single submitter. Criteria: ACMG Guidelines, 2015. Collection method: clinical testing. Allele origin: germline. Affected: yes.

Blueprint Genetics
Classification: Likely benign. Last evaluated: 2024-09-02. Review status: criteria provided, single submitter. Criteria: ACMG Guidelines, 2015. Collection method: clinical testing. Allele origin: germline.

Mendelics
Classification: Uncertain significance. Last evaluated: 2022-05-04. Review status: criteria provided, single submitter. Criteria: Mendelics Assertion Criteria 2019. Collection method: clinical testing. Allele origin: germline.

Fulgent Genetics
Classification: Uncertain significance for Intellectual disability-facial dysmorphism syndrome due to SETD5 haploinsufficiency. Last evaluated: 2021-12-10. Review status: criteria provided, single submitter. Criteria: ACMG Guidelines, 2015. Collection method: clinical testing. Allele origin: unknown.

PreventionGenetics, part of Exact Sciences
Classification: Likely benign for SETD5-related condition. Last evaluated: 2023-11-20. Review status: no assertion criteria provided. Collection method: clinical testing. Allele origin: germline. Not counted in ClinVar's aggregate classification.
Comment: This variant is classified as likely benign based on ACMG/AMP sequence variant interpretation guidelines (Richards et al. 2015 PMID: 25741868, with internal and published modifications).

University of Washington Center for Mendelian Genomics, University of Washington
Classification: Likely pathogenic for Moyamoya angiopathy with developmental delay. Review status: no assertion criteria provided. Collection method: research. Allele origin: unknown. Affected: yes. Not counted in ClinVar's aggregate classification.

Literature cited by the submitters: PubMed 31474762 (cited by University of Washington Center for Mendelian Genomics, University of Washington).

NM_001080517.3(SETD5):c.2299C>T (p.Arg767Cys)

Gene: SETD5 (SET domain containing 5; plus strand). Cytogenetic location: 3p25.3.
Variant type: single nucleotide variant.
Coding change: c.2299C>T on transcript NM_001080517.3 (MANE Select); coding-DNA position 2299, C replaced by T.
Protein change: p.Arg767Cys; replaces arginine 767 with cysteine.
Molecular consequence: missense variant.
Genome position (GRCh38, 1-based): chr3:9,448,583, C>T. VCF-style: chr3-9448583-C-T. GRCh37 (hg19) VCF-style: chr3-9490267-C-T.
Other names: c.2005C>T, p.Arg669Cys (NM_001292043.2, NM_001349451.2); c.2299C>T (NM_001080517.2); short protein forms R669C, R767C.
Identifiers: ClinVar variation 982187 (VCV000982187.10), dbSNP rs183911558, ClinGen allele CA2239396.